The following is an entry in ClinVar:

NM_001048174.2(MUTYH):c.1310C>G (p.Pro437Arg)

Gene: MUTYH (mutY DNA glycosylase; minus strand). Cytogenetic location: 1p34.1.
Variant type: single nucleotide variant.
Coding change: c.1310C>G on transcript NM_001048174.2 (MANE Select); coding-DNA position 1310, C replaced by G.
Protein change: p.Pro437Arg; replaces proline 437 with arginine.
Molecular consequence: missense variant. On other transcripts: non-coding transcript variant (7).
Genome position (GRCh38, 1-based): chr1:45,331,264, G>C on the plus strand (C>G on the coding strand, the complement: MUTYH is on the minus strand). VCF-style: chr1-45331264-G-C. GRCh37 (hg19) VCF-style: chr1-45796936-G-C.
Other names: c.1313C>G, p.Pro438Arg (NM_001407078.1, NM_001407086.1, NM_001048172.2 and 1 more transcripts); c.1271C>G, p.Pro424Arg (NM_001407079.1); c.1268C>G, p.Pro423Arg (NM_001407080.1); c.1310C>G, p.Pro437Arg (NM_001407081.1, NM_001407088.1, NM_001048171.2 and 6 more transcripts); c.965C>G, p.Pro322Arg (NM_001407082.1, NM_001350650.2, NM_001350651.2); c.1352C>G, p.Pro451Arg (NM_001407083.1, NM_001407085.1); c.1331C>G, p.Pro444Arg (NM_001407087.1); c.1394C>G, p.Pro465Arg (NM_001128425.2); and 5 more; short protein forms P409R, P322R, P424R, P438R, P451R, P462R, P437R, P452R.
Identifiers: ClinVar variation 4113214 (VCV004113214.1).

ClinVar aggregate classification (germline): Uncertain significance (1 of 4 stars; one submission).

Conditions:
Hereditary cancer-predisposing syndrome. Also called: Tumor predisposition; Neoplastic Syndromes, Hereditary; Hereditary neoplastic syndrome; Hereditary Cancer Syndrome. Identifiers: Orphanet 140162, MedGen C0027672, MeSH D009386, MONDO:0015356.

Submission:

Ambry Genetics
Classification: Uncertain significance for Hereditary cancer-predisposing syndrome. Last evaluated: 2025-08-27. Review status: criteria provided, single submitter. Criteria: Ambry Variant Classification Scheme 2023. Collection method: clinical testing. Allele origin: germline.
Comment: The p.P465R variant (also known as c.1394C>G), located in coding exon 14 of the MUTYH gene, results from a C to G substitution at nucleotide position 1394. The proline at codon 465 is replaced by arginine, an amino acid with dissimilar properties. This amino acid position is conserved. In addition, this alteration is predicted to be tolerated by in silico analysis. Based on the available evidence, the clinical significance of this variant remains unclear.